The following is an entry in ClinVar:

NM_000077.5(CDKN2A):c.136C>A (p.Arg46=)

Gene: CDKN2A (cyclin dependent kinase inhibitor 2A; minus strand). Cytogenetic location: 9p21.3.
Variant type: single nucleotide variant.
Coding change: c.136C>A on transcript NM_000077.5; coding-DNA position 136, C replaced by A.
Protein change: p.Arg46=; no amino-acid change (arginine 46 retained).
Molecular consequence: synonymous variant (on NM_000077.6). On other transcripts: intron variant (2).
Genome position (GRCh38, 1-based): chr9:21,974,692, G>T on the plus strand (C>A on the coding strand, the complement: CDKN2A is on the minus strand). VCF-style: chr9-21974692-G-T. GRCh37 (hg19) VCF-style: chr9-21974691-G-T.
Other names: c.136C>A, p.Arg46= (NM_000077.6, NM_001195132.2, NM_058197.5); c.-3-3484C>A (NM_001363763.2); c.194-3484C>A (NM_058195.4).
Identifiers: ClinVar variation 1126443 (VCV001126443.14), dbSNP rs1563892516, ClinGen allele CA464100114.

ClinVar aggregate classification (germline): Conflicting classifications of pathogenicity. Review status: criteria provided, conflicting classifications (1 of 4 stars). 3 submissions from 3 submitters: Uncertain significance (1); Benign (1); Likely benign (1). Last evaluated 2025-08-14.

Conditions:
Melanoma-pancreatic cancer syndrome. Identifiers: Orphanet 404560, MedGen C1838547, MONDO:0011713, OMIM 606719. Disease mechanism: loss of function.
Familial melanoma. Also called: Hereditary melanoma; Hereditary cutaneous melanoma. Identifiers: Orphanet 618, MedGen C1512419, MONDO:0018961.
Hereditary cancer-predisposing syndrome. Also called: Hereditary neoplastic syndrome; Tumor predisposition; Hereditary Cancer Syndrome; Neoplastic Syndromes, Hereditary. Identifiers: Orphanet 140162, MedGen C0027672, MeSH D009386, MONDO:0015356.

Submissions (3):

Myriad Genetics, Inc.
Classification: Benign for Melanoma-pancreatic cancer syndrome. Last evaluated: 2025-08-14. Review status: criteria provided, single submitter. Criteria: Myriad Autosomal Dominant, Autosomal Recessive and X-Linked Classification Criteria (2023). Collection method: clinical testing. Allele origin: unknown.
Comment: This variant is considered benign. This variant is a silent/synonymous amino acid change and it is not expected to impact splicing.

Ambry Genetics
Classification: Uncertain significance for Hereditary cancer-predisposing syndrome. Last evaluated: 2025-06-05. Review status: criteria provided, single submitter. Criteria: Ambry Variant Classification Scheme 2023. Collection method: clinical testing. Allele origin: germline.
Comment: The c.136C>A variant (also known as p.R46R), located in coding exon 1 of the CDKN2A gene, results from a C to A substitution at nucleotide position 136. This nucleotide substitution does not change the at codon 46. This alteration has been reported in an individual with a single primary melanoma and no reported family history (Orlow I et al. J. Invest. Dermatol. 2007 May;127(5):1234-43). It has also been reported in a cohort of Italian melanoma patients (Vergani E et al. Genes (Basel). 2021 Sep;12(9)). This nucleotide position is well conserved in available vertebrate species. In silico splice site analysis predicts that this alteration will result in the creation or strengthening of a novel splice donor site; however direct evidence is insufficient (Ambry internal data). Based on the available evidence, the clinical significance of this variant remains unclear.

Labcorp Genetics (formerly Invitae), Labcorp
Classification: Likely benign for Familial melanoma. Last evaluated: 2020-05-15. Review status: criteria provided, single submitter. Criteria: Invitae Variant Classification Sherloc (09022015). Collection method: clinical testing. Allele origin: germline.

Literature cited by the submitters: PubMed 34573422 (cited by Ambry Genetics).